The following is an entry in ClinVar:

GRCh37/hg19 3q25.1(chr3:151514590-151574286)x1

Genes: AADAC (arylacetamide deacetylase; plus strand), AADACL2-AS1 (AADACL2 antisense RNA 1; minus strand). Cytogenetic location: 3q25.1.
Variant type: Deletion.
Change: copy number 1 (one copy instead of two) of chr3:151,514,590-151,574,286 (59.7 kb, GRCh37 coordinates, 1-based), cytogenetic band 3q25.1.
Identifiers: ClinVar variation 156882 (VCV000156882.2).

ClinVar aggregate classification (germline): Benign. Review status: criteria provided, single submitter (1 of 4 stars). 2 submissions from 2 submitters: Benign (1). 1 of the submissions does not count toward it. Last evaluated 2015-01-07.

Conditions:
Premature ovarian insufficiency (POF). Also called: Premature ovarian failure. Identifiers: MedGen C4303540, HP:0008209.
Small for gestational age. Also called: Low birth weight. Identifiers: MedGen C0235991, HP:0001518.

Submissions (2):

Department of Biotechnology, Institute of Molecular and Cell Biology, University of Tartu
Classification: Benign for Primary ovarian failure. Last evaluated: 2015-01-07. Review status: criteria provided, single submitter. Criteria: ACMG CNV Guidelines, 2011. Collection method: reference population. Allele origin: unknown. Affected: yes. Observed: 2 variant alleles.

Institute of Molecular and Cell Biology, University of Tartu
No classification provided. Condition: Small for gestational age. Review status: no classification provided. Collection method: case-control. Allele origin: unknown. Affected: yes. Study: Kasak2014. Not counted in ClinVar's aggregate classification.
Comment: The study aimed to determine the contribution of copy number variants in the genetic etiology of normal and complicated pregnancies. The samples represented (i) maternal blood DNA drawn from healthy pregnant women during 1st or 2nd trimester and (ii) maternal and paternal blood DNA drawn at term pregnancy cases representing normal and complicated gestations (severe preeclampsia, PE; gestational diabetes, GD; small-for-gestational age newborn, SGA; large-for-gestational age newborn, LGA). We performed CNV calling based on genome-wide genotyping dataset (Illumina HumanOmniExpress-24-v1 BeadChip) by applying three algorithms, QuantiSNP, GADA (Genome Alteration Detection Algorithm) and CNstream in parallel. The acquired CNV calls were merged with HD-CNV (Hotspot Detector for Copy Number Variants) program and only the CNVs predicted by at least two programs, were considered in subsequent analysis.

Literature cited by the submitters: PubMed 25666259 (cited by Institute of Molecular and Cell Biology, University of Tartu).